The following is an entry in ClinVar:

NM_001376.5(DYNC1H1):c.9464A>G (p.His3155Arg)

Genes: DYNC1H1 (dynein cytoplasmic 1 heavy chain 1; plus strand), LOC126862060 (BRD4-independent group 4 enhancer GRCh37_chr14:102493659-102494858; plus strand). Cytogenetic location: 14q32.31.
Variant type: single nucleotide variant.
Coding change: c.9464A>G on transcript NM_001376.5 (MANE Select); coding-DNA position 9464, A replaced by G.
Protein change: p.His3155Arg; replaces histidine 3155 with arginine.
Molecular consequence: missense variant.
Genome position (GRCh38, 1-based): chr14:102,028,137, A>G. VCF-style: chr14-102028137-A-G. GRCh37 (hg19) VCF-style: chr14-102494474-A-G.
Other names: short protein forms H3155R.
Identifiers: ClinVar variation 3636166 (VCV003636166.3).

ClinVar aggregate classification (germline): Uncertain significance. Review status: criteria provided, multiple submitters, no conflicts (2 of 4 stars). 2 submissions from 2 submitters: Uncertain significance (2). Last evaluated 2025-01-27.

Conditions:
Charcot-Marie-Tooth disease axonal type 2O. Also called: Charcot-Marie-Tooth disease, axonal, type 20; CHARCOT-MARIE-TOOTH NEUROPATHY, AXONAL, TYPE 2O; CHARCOT-MARIE-TOOTH DISEASE, AXONAL, AUTOSOMAL DOMINANT, TYPE 2O; Charcot-Marie-Tooth Neuropathy Type 2O. Identifiers: Orphanet 284232, MedGen C3280220, MONDO:0013644, OMIM 614228.

gnomAD v4.1: 1 of 1,614,008 alleles (0.000062%); highest among the groups gnomAD compares: Non-Finnish European, 0.000085%; no homozygotes.

Submissions (2):

GeneDx
Classification: Uncertain significance. Last evaluated: 2025-01-27. Review status: criteria provided, single submitter. Criteria: GeneDx Variant Classification Process June 2021. Collection method: clinical testing. Allele origin: germline. Affected: yes.
Comment: Has not been previously published as pathogenic or benign to our knowledge; Not observed at significant frequency in large population cohorts (gnomAD); In silico analysis supports that this missense variant has a deleterious effect on protein structure/function; This variant is associated with the following publications: (PMID: 25512093, 25609763, 26100331)

Labcorp Genetics (formerly Invitae), Labcorp
Classification: Uncertain significance for Charcot-Marie-Tooth disease axonal type 2O. Last evaluated: 2024-03-14. Review status: criteria provided, single submitter. Criteria: Invitae Variant Classification Sherloc (09022015). Collection method: clinical testing. Allele origin: germline.
Comment: This sequence change replaces histidine, which is basic and polar, with arginine, which is basic and polar, at codon 3155 of the DYNC1H1 protein (p.His3155Arg). This variant is not present in population databases (gnomAD no frequency). This variant has not been reported in the literature in individuals affected with DYNC1H1-related conditions. Advanced modeling of protein sequence and biophysical properties (such as structural, functional, and spatial information, amino acid conservation, physicochemical variation, residue mobility, and thermodynamic stability) performed at Invitae indicates that this missense variant is not expected to disrupt DYNC1H1 protein function with a negative predictive value of 95%. In summary, the available evidence is currently insufficient to determine the role of this variant in disease. Therefore, it has been classified as a Variant of Uncertain Significance.